The following is an entry in ClinVar:

NM_004329.3(BMPR1A):c.356G>A (p.Arg119His)

Gene: BMPR1A (bone morphogenetic protein receptor type 1A; plus strand). Cytogenetic location: 10q23.2.
Variant type: single nucleotide variant.
Coding change: c.356G>A on transcript NM_004329.3 (MANE Select); coding-DNA position 356, G replaced by A.
Protein change: p.Arg119His; replaces arginine 119 with histidine.
Molecular consequence: missense variant.
Genome position (GRCh38, 1-based): chr10:86,899,816, G>A. VCF-style: chr10-86899816-G-A. GRCh37 (hg19) VCF-style: chr10-88659573-G-A.
Other names: short protein forms R119H.
Identifiers: ClinVar variation 489693 (VCV000489693.42), dbSNP rs1554888965, ClinGen allele CA377449369.

ClinVar aggregate classification (germline): Conflicting classifications of pathogenicity. Review status: criteria provided, conflicting classifications (1 of 4 stars). 8 submissions from 8 submitters: Likely pathogenic (1); Uncertain significance (7). Last evaluated 2026-04-01.

Conditions:
Juvenile polyposis syndrome (JPS). Identifiers: Orphanet 2929, MedGen C0345893, MONDO:0017380, OMIM 174900.
Generalized juvenile polyposis/juvenile polyposis coli. Also called: Juvenile polyposis coli. Identifiers: Orphanet 329971, MedGen C1868081, MONDO:0008276.
Hereditary cancer-predisposing syndrome. Also called: Hereditary neoplastic syndrome; Neoplastic Syndromes, Hereditary; Hereditary Cancer Syndrome; Tumor predisposition. Identifiers: Orphanet 140162, MedGen C0027672, MeSH D009386, MONDO:0015356.

gnomAD v4.1: 10 of 1,613,984 alleles (0.00062%); highest among the groups gnomAD compares: African/African-American, 0.0013%; no homozygotes.

Submissions (8):

CeGaT Center for Human Genetics Tuebingen
Classification: Likely pathogenic. Last evaluated: 2026-04-01. Review status: criteria provided, single submitter. Criteria: CeGaT Center For Human Genetics Tuebingen Variant Classification Criteria Version 2. Collection method: clinical testing. Allele origin: germline. Affected: yes. Observed: 3 variant alleles.
Comment: BMPR1A: PM1, PM5, PM2:Supporting, PS4:Supporting

Labcorp Genetics (formerly Invitae), Labcorp
Classification: Uncertain significance for Juvenile polyposis syndrome. Last evaluated: 2026-01-28. Review status: criteria provided, single submitter. Criteria: Invitae Variant Classification Sherloc (09022015). Collection method: clinical testing. Allele origin: germline.
Comment: This sequence change replaces arginine, which is basic and polar, with histidine, which is basic and polar, at codon 119 of the BMPR1A protein (p.Arg119His). This variant is not present in population databases (gnomAD no frequency). This variant has not been reported in the literature in individuals affected with BMPR1A-related conditions. ClinVar contains an entry for this variant (Variation ID: 489693). Invitae Evidence Modeling incorporating data from in vitro experimental studies (internal data) indicates that this missense variant is not expected to disrupt BMPR1A function with a negative predictive value of 95%. In summary, the available evidence is currently insufficient to determine the role of this variant in disease. Therefore, it has been classified as a Variant of Uncertain Significance.

Color Diagnostics, LLC DBA Color Health
Classification: Uncertain significance for Hereditary cancer-predisposing syndrome. Last evaluated: 2025-04-14. Review status: criteria provided, single submitter. Criteria: ACMG Guidelines, 2015. Collection method: clinical testing. Allele origin: germline.
Comment: This missense variant replaces arginine with histidine at codon 119 of the BMPR1A protein. Computational prediction is inconclusive regarding the impact of this variant on protein structure and function. To our knowledge, functional studies have not been reported for this variant. This variant has not been reported in individuals affected with BMPR1A-related disorders in the literature. This variant has not been identified in the general population by the Genome Aggregation Database (gnomAD). The available evidence is insufficient to determine the role of this variant in disease conclusively. Therefore, this variant is classified as a Variant of Uncertain Significance.

Ambry Genetics
Classification: Uncertain significance for Hereditary cancer-predisposing syndrome. Last evaluated: 2025-03-20. Review status: criteria provided, single submitter. Criteria: Ambry Variant Classification Scheme 2023. Collection method: clinical testing. Allele origin: germline.
Comment: The p.R119H variant (also known as c.356G>A), located in coding exon 4 of the BMPR1A gene, results from a G to A substitution at nucleotide position 356. The arginine at codon 119 is replaced by histidine, an amino acid with highly similar properties. A different alteration affecting this amino acid, p.R119C, has been reported in one familial juvenile polyposis syndrome kindred (Aretz S et al. J Med Genet. 2007 Nov;44(11):702-9). This amino acid position is highly conserved in available vertebrate species. In addition, the in silico prediction for this alteration is inconclusive. Based on the available evidence, the clinical significance of this variant remains unclear.

All of Us Research Program, National Institutes of Health
Classification: Uncertain significance for Juvenile polyposis syndrome. Last evaluated: 2024-04-25. Review status: criteria provided, single submitter. Criteria: ACMG Guidelines, 2015. Collection method: clinical testing. Allele origin: germline. Inheritance: Autosomal dominant inheritance. Observed: 3 variant alleles, 3 heterozygotes.
Comment: This missense variant replaces arginine with histidine at codon 119 of the BMPR1A protein. Computational prediction is inconclusive regarding the impact of this variant on protein structure and function (internally defined REVEL score threshold 0.5 < inconclusive < 0.7, PMID: 27666373). To our knowledge, functional studies have not been reported for this variant. This variant has not been reported in individuals affected with BMPR1A-related disorders in the literature. This variant has not been identified in the general population by the Genome Aggregation Database (gnomAD). The available evidence is insufficient to determine the role of this variant in disease conclusively. Therefore, this variant is classified as a Variant of Uncertain Significance.

This study involves interpretation of variants in research participants for the purpose of population health screening. Participant phenotype was not available at the time of variant classification. Additional details can be found in publication PMID: 35346344, PMCID: PMC8962531

Molecular Pathology, Peter Maccallum Cancer Centre
Classification: Uncertain significance for Generalized juvenile polyposis/juvenile polyposis coli. Last evaluated: 2024-01-22. Review status: criteria provided, single submitter. Criteria: ACMG Guidelines, 2015. Collection method: clinical testing. Allele origin: germline. Inheritance: Autosomal dominant inheritance.

Sema4
Classification: Uncertain significance for Hereditary cancer-predisposing syndrome. Last evaluated: 2022-01-12. Review status: criteria provided, single submitter. Criteria: Sema4 Curation Guidelines. Collection method: curation. Allele origin: germline.
Comment: The BMPR1A c.356G>A (p.R119H) variant has not been reported in the literature to our knowledge. It was not observed in the large and broad cohorts of the Genome Aggregation Database (PMID: 32461654), but has been reported in ClinVar (Variation ID 489693). Functional studies have not been performed, and in silico predictions of the variant's effect on protein function are inconclusive. The evidence is insufficient to meet ACMG/AMP criteria for classifying the variant as benign or pathogenic. Thus, the clinical significance of this variant is currently uncertain.

Women's Health and Genetics/Laboratory Corporation of America, LabCorp
Classification: Uncertain significance. Last evaluated: 2020-10-09. Review status: criteria provided, single submitter. Criteria: LabCorp Variant Classification Summary - May 2015. Collection method: clinical testing. Allele origin: germline.
Comment: Variant summary: BMPR1A c.356G>A (p.Arg119His) results in a non-conservative amino acid change located in the Activin types I and II receptor domain (IPR000472) of the encoded protein sequence. Four of five in-silico tools predict a damaging effect of the variant on protein function. The variant was absent in 251462 control chromosomes (gnomAD). The available data on variant occurrences in the general population are insufficient to allow any conclusion about variant significance. To our knowledge, no occurrence of c.356G>A in individuals affected with Juvenile Polyposis Syndrome and no experimental evidence demonstrating its impact on protein function have been reported. Two ClinVar submitters (evaluation after 2014) cite the variant as uncertain significance. Based on the evidence outlined above, the variant was classified as uncertain significance.